The following is an entry in ClinVar:

NM_012205.3(HAAO):c.111C>T (p.Ile37=)

Gene: HAAO (3-hydroxyanthranilate 3,4-dioxygenase; minus strand). Cytogenetic location: 2p21.
Variant type: single nucleotide variant.
Coding change: c.111C>T on transcript NM_012205.3 (MANE Select); coding-DNA position 111, C replaced by T.
Protein change: p.Ile37=; no amino-acid change (isoleucine 37 retained).
Molecular consequence: synonymous variant.
Genome position (GRCh38, 1-based): chr2:42,788,577, G>A on the plus strand (C>T on the coding strand, the complement: HAAO is on the minus strand). VCF-style: chr2-42788577-G-A. GRCh37 (hg19) VCF-style: chr2-43015717-G-A.
Identifiers: ClinVar variation 3039791 (VCV003039791.2), dbSNP rs114894333, ClinGen allele CA1631146.

ClinVar aggregate classification (germline): Benign (0 of 4 stars; one submission).

Conditions:
HAAO-related disorder. Also called: HAAO-related condition.

Allele frequency attached by ClinVar (database versions not stated): ExAC 0.00117; 1000 Genomes Project 30x 0.00453; ESP Exome Variant Server 0.00492; 1000 Genomes Project 0.00499.
gnomAD v4.1: 1,116 of 1,604,594 alleles (0.07%); highest among the groups gnomAD compares: African/African-American, 1.4%; 8 homozygotes.

Submission:

PreventionGenetics, part of Exact Sciences
Classification: Benign for HAAO-related condition. Last evaluated: 2019-09-10. Review status: no assertion criteria provided. Collection method: clinical testing. Allele origin: germline.
Comment: This variant is classified as benign based on ACMG/AMP sequence variant interpretation guidelines (Richards et al. 2015 PMID: 25741868, with internal and published modifications).